The following is an entry in ClinVar:

NM_006206.6(PDGFRA):c.1618A>T (p.Ile540Phe)

Gene: PDGFRA (platelet derived growth factor receptor alpha; plus strand). Cytogenetic location: 4q12.
Variant type: single nucleotide variant.
Coding change: c.1618A>T on transcript NM_006206.6 (MANE Select); coding-DNA position 1618, A replaced by T.
Protein change: p.Ile540Phe; replaces isoleucine 540 with phenylalanine.
Molecular consequence: missense variant.
Genome position (GRCh38, 1-based): chr4:54,274,590, A>T. VCF-style: chr4-54274590-A-T. GRCh37 (hg19) VCF-style: chr4-55140757-A-T.
Other names: c.1618A>T, p.Ile540Phe (NM_001347827.2, NM_001347829.2); c.1693A>T, p.Ile565Phe (NM_001347828.2); c.1657A>T, p.Ile553Phe (NM_001347830.2); short protein forms I540F, I553F, I565F.
Identifiers: ClinVar variation 1022155 (VCV001022155.9), dbSNP rs1723605917, ClinGen allele CA356892934.

ClinVar aggregate classification (germline): Uncertain significance (1 of 4 stars; one submission).

Conditions:
Gastrointestinal stromal tumor. Also called: Gastrointestinal stromal tumor, somatic; Gastrointestinal stroma tumor. Identifiers: Orphanet 44890, MedGen C0238198, MeSH D046152, MONDO:0011719, OMIM 606764, HP:0100723.

Submission:

Labcorp Genetics (formerly Invitae), Labcorp
Classification: Uncertain significance for Gastrointestinal stromal tumor. Last evaluated: 2020-08-14. Review status: criteria provided, single submitter. Criteria: Invitae Variant Classification Sherloc (09022015). Collection method: clinical testing. Allele origin: germline.
Comment: In summary, the available evidence is currently insufficient to determine the role of this variant in disease. Therefore, it has been classified as a Variant of Uncertain Significance. Algorithms developed to predict the effect of missense changes on protein structure and function output the following: SIFT: "Deleterious"; PolyPhen-2: "Benign"; Align-GVGD: "Class C0". The phenylalanine amino acid residue is found in multiple mammalian species, suggesting that this missense change does not adversely affect protein function. These predictions have not been confirmed by published functional studies and their clinical significance is uncertain. This variant has not been reported in the literature in individuals with PDGFRA-related conditions. This variant is not present in population databases (ExAC no frequency). This sequence change replaces isoleucine with phenylalanine at codon 540 of the PDGFRA protein (p.Ile540Phe). The isoleucine residue is highly conserved and there is a small physicochemical difference between isoleucine and phenylalanine.